The following is an entry in ClinVar:

NM_004183.4(BEST1):c.218T>C (p.Ile73Thr)

Gene: BEST1 (bestrophin 1; plus strand). Cytogenetic location: 11q12.3.
Variant type: single nucleotide variant.
Coding change: c.218T>C on transcript NM_004183.4 (MANE Select); coding-DNA position 218, T replaced by C.
Protein change: p.Ile73Thr; replaces isoleucine 73 with threonine.
Molecular consequence: missense variant. On other transcripts: non-coding transcript variant (1).
Genome position (GRCh38, 1-based): chr11:61,955,172, T>C. VCF-style: chr11-61955172-T-C. GRCh37 (hg19) VCF-style: chr11-61722644-T-C.
Other names: c.38T>C, p.Ile13Thr (NM_001139443.3, NM_001300786.2, NM_001300787.2); c.218T>C, p.Ile73Thr (NM_001363592.2); short protein forms I73T, I13T.
Identifiers: ClinVar variation 2092209 (VCV002092209.5), dbSNP rs1591280714, ClinGen allele CA380833739.

ClinVar aggregate classification (germline): Uncertain significance. Review status: criteria provided, single submitter (1 of 4 stars). 2 submissions from 2 submitters: Uncertain significance (1). 1 of the submissions does not count toward it. Last evaluated 2022-02-25.

Conditions:
Retinal dystrophy. Also called: Inherited retinal dystrophy. Identifiers: Orphanet 71862, MedGen C0854723, MeSH D058499, MONDO:0019118, HP:0000556.

Submissions (2):

Labcorp Genetics (formerly Invitae), Labcorp
Classification: Uncertain significance. Last evaluated: 2022-02-25. Review status: criteria provided, single submitter. Criteria: Invitae Variant Classification Sherloc (09022015). Collection method: clinical testing. Allele origin: germline.
Comment: This sequence change replaces isoleucine, which is neutral and non-polar, with threonine, which is neutral and polar, at codon 73 of the BEST1 protein (p.Ile73Thr). In summary, the available evidence is currently insufficient to determine the role of this variant in disease. Therefore, it has been classified as a Variant of Uncertain Significance. This variant disrupts the p.Ile73 amino acid residue in BEST1. Other variant(s) that disrupt this residue have been observed in individuals with BEST1-related conditions (PMID: 21269699, 23213274, 28687848), which suggests that this may be a clinically significant amino acid residue. Advanced modeling of protein sequence and biophysical properties (such as structural, functional, and spatial information, amino acid conservation, physicochemical variation, residue mobility, and thermodynamic stability) performed at Invitae indicates that this missense variant is not expected to disrupt BEST1 protein function. This variant has not been reported in the literature in individuals affected with BEST1-related conditions. This variant is not present in population databases (gnomAD no frequency).

Institute of Human Genetics, Univ. Regensburg, Univ. Regensburg
Classification: Likely pathogenic for Retinal dystrophy. Last evaluated: 2012-01-01. Review status: no assertion criteria provided. Criteria: ACMG Guidelines, 2015. Collection method: clinical testing. Allele origin: germline. Affected: yes. Not counted in ClinVar's aggregate classification.

Literature cited by the submitters: PubMed 21269699 (cited by Labcorp Genetics (formerly Invitae), Labcorp); PubMed 23213274 (cited by Labcorp Genetics (formerly Invitae), Labcorp); PubMed 28687848 (cited by Labcorp Genetics (formerly Invitae), Labcorp).